The following is an entry in ClinVar:

ClinVar aggregate classification (germline): Uncertain significance (1 of 4 stars; one submission).

Conditions:
Familial thoracic aortic aneurysm and aortic dissection (TAAD). Also called: Thoracic aortic aneurysms and dissections. Identifiers: Orphanet 91387, MedGen C4707243, MONDO:0019625.

gnomAD v4.1: 4 of 1,613,604 alleles (0.00025%); highest among the groups gnomAD compares: Non-Finnish European, 0.00017%; no homozygotes.

Submission:

Ambry Genetics
Classification: Uncertain significance for Familial thoracic aortic aneurysm and aortic dissection. Last evaluated: 2024-03-20. Review status: criteria provided, single submitter. Criteria: Ambry Variant Classification Scheme 2023. Collection method: clinical testing. Allele origin: germline.
Comment: The p.N2059K variant (also known as c.6177C>G), located in coding exon 33 of the NOTCH1 gene, results from a C to G substitution at nucleotide position 6177. The asparagine at codon 2059 is replaced by lysine, an amino acid with similar properties. This amino acid position is conserved. In addition, this alteration is predicted to be tolerated by in silico analysis. Based on the available evidence, the clinical significance of this alteration remains unclear.

NM_017617.5(NOTCH1):c.6177C>G (p.Asn2059Lys)

Genes: NOTCH1 (notch receptor 1; minus strand), LOC126860794 (BRD4-independent group 4 enhancer GRCh37_chr9:139392592-139393791; plus strand). Cytogenetic location: 9q34.3.
Variant type: single nucleotide variant.
Coding change: c.6177C>G on transcript NM_017617.5 (MANE Select); coding-DNA position 6177, C replaced by G.
Protein change: p.Asn2059Lys; replaces asparagine 2059 with lysine.
Molecular consequence: missense variant.
Genome position (GRCh38, 1-based): chr9:136,498,902, G>C on the plus strand (C>G on the coding strand, the complement: NOTCH1 is on the minus strand). VCF-style: chr9-136498902-G-C. GRCh37 (hg19) VCF-style: chr9-139393354-G-C.
Other names: short protein forms N2059K.
Identifiers: ClinVar variation 3300439 (VCV003300439.1).